The following is an entry in ClinVar:

NM_000051.4(ATM):c.4777-27_4788dup

Gene: ATM (ATM serine/threonine kinase; plus strand). Cytogenetic location: 11q22.3.
Variant type: Duplication.
Coding change: c.4777-27_4788dup on transcript NM_000051.4 (MANE Select); 27 bases into the intron before coding-DNA position 4777 through coding-DNA position 4788, 39 bases duplicated.
Molecular consequence: splice acceptor variant.
Genome position (GRCh38, 1-based): chr11:108,294,900-108,294,938, 39 bases duplicated; duplicating any 39 consecutive bases within chr11:108,294,899-108,294,938 gives the same sequence; the c. name uses the placement nearest the transcript's 3' end. GRCh37 (hg19): chr11:108,165,627-108,165,665.
Other names: c.4777-27_4788dupAAAAGCAAGTTACATTTTCTCTTTTAGGAAATTAACCAT (NM_000051.3); c.4777-27_4788dup (NM_001351834.2).
Identifiers: ClinVar variation 3663554 (VCV003663554.3).

ClinVar aggregate classification (germline): Uncertain significance. Review status: criteria provided, multiple submitters, no conflicts (2 of 4 stars). 2 submissions from 2 submitters: Uncertain significance (2). Last evaluated 2025-05-13.

Conditions:
Ataxia-telangiectasia syndrome (AT). Also called: LOUIS-BAR SYNDROME; Cerebello-oculocutaneous telangiectasia; Immunodeficiency with ataxia telangiectasia; ATAXIA-TELANGIECTASIA, COMPLEMENTATION GROUP A; ATAXIA-TELANGIECTASIA, FRESNO VARIANT; Ataxia-telangiectasia, complementation group D. Identifiers: Orphanet 100, MedGen C0004135, MONDO:0008840, OMIM 208900.
Hereditary cancer-predisposing syndrome. Also called: Neoplastic Syndromes, Hereditary; Hereditary neoplastic syndrome; Tumor predisposition; Hereditary Cancer Syndrome. Identifiers: Orphanet 140162, MedGen C0027672, MeSH D009386, MONDO:0015356.

Submissions (2):

Ambry Genetics
Classification: Uncertain significance for Hereditary cancer-predisposing syndrome. Last evaluated: 2025-05-13. Review status: criteria provided, single submitter. Criteria: Ambry Variant Classification Scheme 2023. Collection method: clinical testing. Allele origin: germline.
Comment: The c.4777-27_4788DUP39 intronic variant begins 27 nucleotides before coding exon 31 in the ATM gene. This variant results from a duplication of 39 nucleotides at positions c.4777-27 to c.4788. This nucleotide region is well conserved in available vertebrate species. In silico splice site analysis predicts that this alteration may weaken the native splice acceptor site; however, direct evidence is insufficient at this time (Ambry internal data). Based on the available evidence, the clinical significance of this variant remains unclear.

Labcorp Genetics (formerly Invitae), Labcorp
Classification: Uncertain significance for Ataxia-telangiectasia syndrome. Last evaluated: 2024-08-30. Review status: criteria provided, single submitter. Criteria: Invitae Variant Classification Sherloc (09022015). Collection method: clinical testing. Allele origin: germline.
Comment: This sequence change falls in intron 31 of the ATM gene. It does not directly change the encoded amino acid sequence of the ATM protein. This variant is not present in population databases (gnomAD no frequency). This variant has not been reported in the literature in individuals affected with ATM-related conditions. Experimental studies and prediction algorithms are not available or were not evaluated, and the effect of this variant on mRNA splicing is currently unknown. In summary, the available evidence is currently insufficient to determine the role of this variant in disease. Therefore, it has been classified as a Variant of Uncertain Significance.